The following is an entry in ClinVar:

NM_000237.3(LPL):c.944A>G (p.Tyr315Cys)

Gene: LPL (lipoprotein lipase; plus strand). Cytogenetic location: 8p21.3.
Variant type: single nucleotide variant.
Coding change: c.944A>G on transcript NM_000237.3 (MANE Select); coding-DNA position 944, A replaced by G.
Protein change: p.Tyr315Cys; replaces tyrosine 315 with cysteine.
Molecular consequence: missense variant.
Genome position (GRCh38, 1-based): chr8:19,956,009, A>G. VCF-style: chr8-19956009-A-G. GRCh37 (hg19) VCF-style: chr8-19813520-A-G.
Other names: short protein forms Y315C.
Identifiers: ClinVar variation 2544984 (VCV002544984.3), dbSNP rs1306162483, ClinGen allele CA370469300.

ClinVar aggregate classification (germline): Uncertain significance (1 of 4 stars; one submission).

Conditions:
Cardiovascular phenotype. Identifiers: MedGen CN230736.

Allele frequency attached by ClinVar (database versions not stated): gnomAD exomes below 0.00001.
gnomAD v4.1: 1 of 1,614,214 alleles (0.000062%); highest among the groups gnomAD compares: Non-Finnish European, 0.000085%; no homozygotes.

Submission:

Ambry Genetics
Classification: Uncertain significance for Cardiovascular phenotype. Last evaluated: 2026-01-17. Review status: criteria provided, single submitter. Criteria: Ambry Variant Classification Scheme 2023. Collection method: clinical testing. Allele origin: germline.
Comment: The p.Y315C variant (also known as c.944A>G), located in coding exon 6 of the LPL gene, results from an A to G substitution at nucleotide position 944. The tyrosine at codon 315 is replaced by cysteine, an amino acid with highly dissimilar properties. This amino acid position is conserved. In addition, this alteration is predicted to be deleterious by in silico analysis. Based on the available evidence, the clinical significance of this variant remains unclear.